The following is an entry in ClinVar:

NM_005751.5(AKAP9):c.274A>G (p.Ile92Val)

Gene: AKAP9 (A-kinase anchoring protein 9; plus strand). Cytogenetic location: 7q21.2.
Variant type: single nucleotide variant.
Coding change: c.274A>G on transcript NM_005751.5 (MANE Select); coding-DNA position 274, A replaced by G.
Protein change: p.Ile92Val; replaces isoleucine 92 with valine.
Molecular consequence: missense variant.
Genome position (GRCh38, 1-based): chr7:91,973,936, A>G. VCF-style: chr7-91973936-A-G. GRCh37 (hg19) VCF-style: chr7-91603250-A-G.
Other names: c.274A>G, p.Ile92Val (NM_147185.3); short protein forms I92V.
Identifiers: ClinVar variation 4701088 (VCV004701088.1).

ClinVar aggregate classification (germline): Uncertain significance (1 of 4 stars; one submission).

Conditions:
Long QT syndrome (LQTS). Identifiers: MedGen C0023976, MeSH D008133, MONDO:0002442. Disease mechanism: loss of function. Inheritance: Various modes of inheritance.

gnomAD v4.1: 2 of 1,614,096 alleles (0.00012%); highest among the groups gnomAD compares: Non-Finnish European, 0.000085%; no homozygotes.

Submission:

Labcorp Genetics (formerly Invitae), Labcorp
Classification: Uncertain significance for Long QT syndrome. Last evaluated: 2025-05-06. Review status: criteria provided, single submitter. Criteria: Invitae Variant Classification Sherloc (09022015). Collection method: clinical testing. Allele origin: germline.
Comment: This sequence change replaces isoleucine, which is neutral and non-polar, with valine, which is neutral and non-polar, at codon 92 of the AKAP9 protein (p.Ile92Val). This variant is not present in population databases (gnomAD no frequency). This variant has not been reported in the literature in individuals affected with AKAP9-related conditions. An algorithm developed to predict the effect of missense changes on protein structure and function outputs the following: PolyPhen-2: "Benign". The valine amino acid residue is found in multiple mammalian species, which suggests that this missense change does not adversely affect protein function. In summary, the available evidence is currently insufficient to determine the role of this variant in disease. Therefore, it has been classified as a Variant of Uncertain Significance.